The following is an entry in ClinVar:

NM_001127208.3(TET2):c.3196A>G (p.Thr1066Ala)

Genes: TET2 (tet methylcytosine dioxygenase 2; plus strand), TET2-AS1 (TET2 antisense RNA 1; minus strand). Cytogenetic location: 4q24.
Variant type: single nucleotide variant.
Coding change: c.3196A>G on transcript NM_001127208.3 (MANE Select); coding-DNA position 3196, A replaced by G.
Protein change: p.Thr1066Ala; replaces threonine 1066 with alanine.
Molecular consequence: missense variant.
Genome position (GRCh38, 1-based): chr4:105,237,138, A>G. VCF-style: chr4-105237138-A-G. GRCh37 (hg19) VCF-style: chr4-106158295-A-G.
Other names: c.3196A>G, p.Thr1066Ala (NM_017628.4); short protein forms T1066A.
Identifiers: ClinVar variation 4182933 (VCV004182933.1).

ClinVar aggregate classification (germline): Uncertain significance (1 of 4 stars; one submission).

Submission:

Ambry Genetics
Classification: Uncertain significance. Last evaluated: 2025-06-25. Review status: criteria provided, single submitter. Criteria: Ambry Variant Classification Scheme 2023. Collection method: clinical testing. Allele origin: germline.
Comment: The p.T1066A variant (also known as c.3196A>G), located in coding exon 1 of the TET2 gene, results from an A to G substitution at nucleotide position 3196. The threonine at codon 1066 is replaced by alanine, an amino acid with similar properties. This amino acid position is conserved. In addition, this alteration is predicted to be tolerated by in silico analysis. Based on the available evidence, the clinical significance of this variant remains unclear.